The following is an entry in ClinVar:

ClinVar aggregate classification (germline): Uncertain significance (1 of 4 stars; one submission).

Submission:

GeneDx
Classification: Uncertain significance. Last evaluated: 2025-09-24. Review status: criteria provided, single submitter. Criteria: GeneDx Variant Classification Process June 2021. Collection method: clinical testing. Allele origin: germline. Affected: yes.
Comment: Not observed at significant frequency in large population cohorts (gnomAD); Canonical splice site variant with an unclear effect on protein function; Has not been previously published as pathogenic or benign to our knowledge

NM_012470.4(TNPO3):c.121-2A>G

Gene: TNPO3 (transportin 3; minus strand). Cytogenetic location: 7q32.1.
Variant type: single nucleotide variant.
Coding change: c.121-2A>G on transcript NM_012470.4 (MANE Select); the canonical splice acceptor site of the intron before coding-DNA position 121, A replaced by G.
Molecular consequence: splice acceptor variant.
Genome position (GRCh38, 1-based): chr7:129,018,159, T>C on the plus strand (A>G on the coding strand, the complement: TNPO3 is on the minus strand). VCF-style: chr7-129018159-T-C. GRCh37 (hg19) VCF-style: chr7-128658213-T-C.
Other names: c.121-2A>G (NM_001382221.1, NM_001382222.1, NM_001382219.1 and 6 more transcripts).
Identifiers: ClinVar variation 4818905 (VCV004818905.1).
Genomic context (GRCh38, chr7:129,018,159, plus strand): 5'-CATGACTCCACATCCTGCCGGATCTGTAACAACTGGTCTGAGATCTCCCATGCATGAACC[T>C]GAAAGCGTATTAGACAAAGATGTCTTAAAGAAGACTACTTTTCTAATTTTAATGACATAA-3'